The following is an entry in ClinVar:

NM_018418.5(SPATA7):c.891_896del (p.Asp297_Ser298del)

Gene: SPATA7 (spermatogenesis associated 7; plus strand). Cytogenetic location: 14q31.3.
Variant type: Deletion.
Coding change: c.891_896del on transcript NM_018418.5 (MANE Select); coding-DNA positions 891 to 896, 6 bases deleted (TTCAGA; older notation c.891_896delTTCAGA).
Protein change: p.Asp297_Ser298del.
Molecular consequence: inframe deletion.
Genome position (GRCh38, 1-based): chr14:88,427,675-88,427,680, TTCAGA deleted; deleting any 6 consecutive bases within chr14:88,427,671-88,427,680 gives the same sequence; the c. name uses the placement nearest the transcript's 3' end. VCF-style (leftmost placement, unchanged base first): chr14-88427670-ACAGATT-A. GRCh37 (hg19) VCF-style: chr14-88894014-ACAGATT-A.
Other names: c.795_800del, p.Asp265_Ser266del (NM_001040428.4).
Identifiers: ClinVar variation 1360528 (VCV001360528.8), dbSNP rs2076833726, ClinGen allele CA2153602566.

ClinVar aggregate classification (germline): Uncertain significance (1 of 4 stars; one submission).

Conditions:
Leber congenital amaurosis 3 (LCA3). Also called: SPATA7-Related Retinitis Pigmentosa. Identifiers: MedGen C1858677, MONDO:0011415, OMIM 604232.

Submission:

Labcorp Genetics (formerly Invitae), Labcorp
Classification: Uncertain significance for Leber congenital amaurosis 3. Last evaluated: 2021-06-12. Review status: criteria provided, single submitter. Criteria: Invitae Variant Classification Sherloc (09022015). Collection method: clinical testing. Allele origin: germline.
Comment: Experimental studies and prediction algorithms are not available or were not evaluated, and the functional significance of this variant is currently unknown. In summary, the available evidence is currently insufficient to determine the role of this variant in disease. Therefore, it has been classified as a Variant of Uncertain Significance. This variant has not been reported in the literature in individuals with SPATA7-related conditions. This variant is not present in population databases (ExAC no frequency). This variant, c.891_896del, results in the deletion of 2 amino acid(s) of the SPATA7 protein (p.Asp297_Ser298del), but otherwise preserves the integrity of the reading frame.